The following is an entry in ClinVar:

NM_002206.3(ITGA7):c.1459A>G (p.Ser487Gly)

Gene: ITGA7 (integrin subunit alpha 7; minus strand). Cytogenetic location: 12q13.2.
Variant type: single nucleotide variant.
Coding change: c.1459A>G on transcript NM_002206.3 (MANE Select); coding-DNA position 1459, A replaced by G.
Protein change: p.Ser487Gly; replaces serine 487 with glycine.
Molecular consequence: missense variant.
Genome position (GRCh38, 1-based): chr12:55,697,497, T>C on the plus strand (A>G on the coding strand, the complement: ITGA7 is on the minus strand). VCF-style: chr12-55697497-T-C. GRCh37 (hg19) VCF-style: chr12-56091281-T-C.
Other names: c.1471A>G, p.Ser491Gly (NM_001144996.2, NM_001414029.1); c.1180A>G, p.Ser394Gly (NM_001144997.2); c.1132A>G, p.Ser378Gly (NM_001367993.1); c.115A>G, p.Ser39Gly (NM_001367994.1); c.1459A>G, p.Ser487Gly (NM_001374465.1, NM_001414034.1); c.1591A>G, p.Ser531Gly (NM_001410977.1); c.1384A>G, p.Ser462Gly (NM_001414030.1); c.1372A>G, p.Ser458Gly (NM_001414031.1); and 3 more; short protein forms S394G, S39G, S491G, S378G, S487G, S531G, S462G, S374G.
Identifiers: ClinVar variation 663871 (VCV000663871.6), dbSNP rs934502279, ClinGen allele CA237572388.

ClinVar aggregate classification (germline): Uncertain significance. Review status: criteria provided, multiple submitters, no conflicts (2 of 4 stars). 2 submissions from 2 submitters: Uncertain significance (2). Last evaluated 2024-01-30.

Conditions:
Congenital muscular dystrophy due to integrin alpha-7 deficiency. Also called: MYOPATHY, CONGENITAL, DUE TO INTEGRIN ALPHA-7 DEFICIENCY; Congenital muscular dystrophy with integrin alpha-7 deficiency; Muscular dystrophy, congenital, due to ITGA7 deficiency. Identifiers: Orphanet 34520, MedGen C2750786, MONDO:0013177, OMIM 613204.

Allele frequency attached by ClinVar (database versions not stated): gnomAD exomes below 0.00001 and 0.00001; gnomAD 0.00002; TOPMed 0.00007.
gnomAD v4.1: 14 of 1,613,960 alleles (0.00087%); highest among the groups gnomAD compares: Admixed American, 0.017%; no homozygotes.

Submissions (2):

Ambry Genetics
Classification: Uncertain significance. Last evaluated: 2024-01-30. Review status: criteria provided, single submitter. Criteria: Ambry Variant Classification Scheme 2023. Collection method: clinical testing. Allele origin: germline.

Labcorp Genetics (formerly Invitae), Labcorp
Classification: Uncertain significance for Congenital muscular dystrophy due to integrin alpha-7 deficiency. Last evaluated: 2022-06-03. Review status: criteria provided, single submitter. Criteria: Invitae Variant Classification Sherloc (09022015). Collection method: clinical testing. Allele origin: germline.
Comment: This sequence change replaces serine, which is neutral and polar, with glycine, which is neutral and non-polar, at codon 487 of the ITGA7 protein (p.Ser487Gly). This variant is not present in population databases (gnomAD no frequency). This variant has not been reported in the literature in individuals affected with ITGA7-related conditions. ClinVar contains an entry for this variant (Variation ID: 663871). Algorithms developed to predict the effect of missense changes on protein structure and function (SIFT, PolyPhen-2, Align-GVGD) all suggest that this variant is likely to be tolerated. In summary, the available evidence is currently insufficient to determine the role of this variant in disease. Therefore, it has been classified as a Variant of Uncertain Significance.